The following is an entry in ClinVar:

NM_003041.4(SLC5A2):c.983T>C (p.Met328Thr)

Gene: SLC5A2 (solute carrier family 5 member 2; plus strand). Cytogenetic location: 16p11.2.
Variant type: single nucleotide variant.
Coding change: c.983T>C on transcript NM_003041.4 (MANE Select); coding-DNA position 983, T replaced by C.
Protein change: p.Met328Thr; replaces methionine 328 with threonine.
Molecular consequence: missense variant. On other transcripts: non-coding transcript variant (1).
Genome position (GRCh38, 1-based): chr16:31,488,135, T>C. VCF-style: chr16-31488135-T-C. GRCh37 (hg19) VCF-style: chr16-31499456-T-C.
Other names: short protein forms M328T.
Identifiers: ClinVar variation 3367852 (VCV003367852.1).

ClinVar aggregate classification (germline): Uncertain significance (1 of 4 stars; one submission).

gnomAD v4.1: 3 of 1,613,962 alleles (0.00019%); highest among the groups gnomAD compares: African/African-American, 0.0013%; no homozygotes.

Submission:

GeneDx
Classification: Uncertain significance. Last evaluated: 2024-01-14. Review status: criteria provided, single submitter. Criteria: GeneDx Variant Classification Process June 2021. Collection method: clinical testing. Allele origin: germline. Affected: yes.
Comment: In silico analysis supports that this missense variant has a deleterious effect on protein structure/function; Has not been previously published as pathogenic or benign to our knowledge